The following is an entry in ClinVar:

NM_001370259.2(MEN1):c.514G>C (p.Asp172His)

Gene: MEN1 (menin 1; minus strand). Cytogenetic location: 11q13.1.
Variant type: single nucleotide variant.
Coding change: c.514G>C on transcript NM_001370259.2 (MANE Select); coding-DNA position 514, G replaced by C.
Protein change: p.Asp172His; replaces aspartic acid 172 with histidine.
Molecular consequence: missense variant.
Genome position (GRCh38, 1-based): chr11:64,808,031, C>G on the plus strand (G>C on the coding strand, the complement: MEN1 is on the minus strand). VCF-style: chr11-64808031-C-G. GRCh37 (hg19) VCF-style: chr11-64575503-C-G.
Other names: c.514G>C, p.Asp172His (NM_001370261.2, NM_001370262.2, NM_001370263.2 and 3 more transcripts); c.529G>C, p.Asp177His (NM_130800.3, NM_130801.3, NM_130802.3 and 3 more transcripts); short protein forms D172H, D177H.
Identifiers: ClinVar variation 1470325 (VCV001470325.8), dbSNP rs1114167494, ClinGen allele CA381186019.

ClinVar aggregate classification (germline): Uncertain significance (1 of 4 stars; one submission).

Conditions:
Multiple endocrine neoplasia, type 1 (MEN1). Also called: MEN I; WERMER SYNDROME; Endocrine adenomatosis multiple; MEN 1; MEA I. Identifiers: Orphanet 652, MedGen C0025267, MeSH D018761, MONDO:0007540, OMIM 131100.

Submission:

Labcorp Genetics (formerly Invitae), Labcorp
Classification: Uncertain significance for Multiple endocrine neoplasia, type 1. Last evaluated: 2020-12-25. Review status: criteria provided, single submitter. Criteria: Invitae Variant Classification Sherloc (09022015). Collection method: clinical testing. Allele origin: germline.
Comment: In summary, the available evidence is currently insufficient to determine the role of this variant in disease. Therefore, it has been classified as a Variant of Uncertain Significance. Advanced modeling of protein sequence and biophysical properties (such as structural, functional, and spatial information, amino acid conservation, physicochemical variation, residue mobility, and thermodynamic stability) performed at Invitae indicates that this missense variant is expected to disrupt MEN1 protein function. This variant has not been reported in the literature in individuals with MEN1-related conditions. This variant is not present in population databases (ExAC no frequency). This sequence change replaces aspartic acid with histidine at codon 172 of the MEN1 protein (p.Asp172His). The aspartic acid residue is highly conserved and there is a moderate physicochemical difference between aspartic acid and histidine.